The following is an entry in ClinVar:

ClinVar aggregate classification (germline): Likely benign. Review status: criteria provided, single submitter (1 of 4 stars). 2 submissions from 2 submitters: Likely benign (1). 1 of the submissions does not count toward it. Last evaluated 2022-03-04.

Conditions:
SLC20A2-related disorder. Also called: SLC20A2-related condition.

Allele frequency attached by ClinVar (database versions not stated): gnomAD 0.00001; TOPMed 0.00003; gnomAD exomes 0.00002.
gnomAD v4.1: 16 of 1,613,990 alleles (0.00099%); highest among the groups gnomAD compares: Admixed American, 0.027%; no homozygotes.

Submissions (2):

Labcorp Genetics (formerly Invitae), Labcorp
Classification: Likely benign. Last evaluated: 2022-03-04. Review status: criteria provided, single submitter. Criteria: Invitae Variant Classification Sherloc (09022015). Collection method: clinical testing. Allele origin: germline.

PreventionGenetics, part of Exact Sciences
Classification: Likely benign for SLC20A2-related condition. Last evaluated: 2019-02-28. Review status: no assertion criteria provided. Collection method: clinical testing. Allele origin: germline. Not counted in ClinVar's aggregate classification.
Comment: This variant is classified as likely benign based on ACMG/AMP sequence variant interpretation guidelines (Richards et al. 2015 PMID: 25741868, with internal and published modifications).

NM_001257180.2(SLC20A2):c.1242G>A (p.Glu414=)

Gene: SLC20A2 (solute carrier family 20 member 2; minus strand). Cytogenetic location: 8p11.21.
Variant type: single nucleotide variant.
Coding change: c.1242G>A on transcript NM_001257180.2 (MANE Select); coding-DNA position 1242, G replaced by A.
Protein change: p.Glu414=; no amino-acid change (glutamic acid 414 retained).
Molecular consequence: synonymous variant.
Genome position (GRCh38, 1-based): chr8:42,437,270, C>T on the plus strand (G>A on the coding strand, the complement: SLC20A2 is on the minus strand). VCF-style: chr8-42437270-C-T. GRCh37 (hg19) VCF-style: chr8-42294788-C-T.
Other names: c.1242G>A, p.Glu414= (NM_001257181.2, NM_006749.5); c.1242G>A (NM_001257180.1).
Identifiers: ClinVar variation 2068533 (VCV002068533.6), dbSNP rs1470682552, ClinGen allele CA460785645.